The following is an entry in ClinVar:

NM_001109878.2(TBX22):c.277C>A (p.Gln93Lys)

Gene: TBX22 (T-box transcription factor 22). Cytogenetic location: Xq21.1.
Variant type: single nucleotide variant.
Coding change: c.277C>A on transcript NM_001109878.2 (MANE Select); coding-DNA position 277, C replaced by A.
Protein change: p.Gln93Lys; replaces glutamine 93 with lysine.
Molecular consequence: missense variant. On other transcripts: 5 prime UTR variant (2).
Genome position (GRCh38, 1-based): chrX:80,023,161, C>A. VCF-style: chrX-80023161-C-A. GRCh37 (hg19) VCF-style: chrX-79278660-C-A.
Other names: c.-80C>A (NM_001109879.2); c.-147C>A (NM_001303475.1); c.277C>A, p.Gln93Lys (NM_016954.2); short protein forms Q93K.
Identifiers: ClinVar variation 4976257 (VCV004976257.1).

ClinVar aggregate classification (germline): Uncertain significance (1 of 4 stars; one submission).

Submission:

GeneDx
Classification: Uncertain significance. Last evaluated: 2026-02-15. Review status: criteria provided, single submitter. Criteria: GeneDx Variant Classification Process June 2021. Collection method: clinical testing. Allele origin: germline.
Comment: Not observed at significant frequency in large population cohorts (gnomAD); In silico analysis suggests that this missense variant does not alter protein structure/function; Has not been previously published as pathogenic or benign to our knowledge